The following is an entry in ClinVar:

NC_000017.10:g.(?_40467763)_(40491447_?)dup

Gene: STAT3 (signal transducer and activator of transcription 3; minus strand). Cytogenetic location: 17q21.2.
Variant type: Duplication.
Identifiers: ClinVar variation 3243108 (VCV003243108.1).

ClinVar aggregate classification (germline): Uncertain significance (1 of 4 stars; one submission).

Conditions:
Hyper-IgE recurrent infection syndrome 1, autosomal dominant. Also called: HYPER-IgE SYNDROME 1, AUTOSOMAL DOMINANT, WITH RECURRENT INFECTIONS; JOB SYNDROME; Job's Syndrome; STAT3 Hyper IgE Syndrome; Hyper-IgE recurrent infection syndrome 1. Identifiers: Orphanet 2314, MedGen C2936739, MONDO:0007818, OMIM 147060.
STAT3 gain of function. Identifiers: MedGen C4288261.

Submission:

Labcorp Genetics (formerly Invitae), Labcorp
Classification: Uncertain significance for STAT3 gain of function; Hyper-IgE recurrent infection syndrome 1, autosomal dominant. Last evaluated: 2023-03-13. Review status: criteria provided, single submitter. Criteria: Invitae Variant Classification Sherloc (09022015). Collection method: clinical testing. Allele origin: unknown.
Comment: In summary, the available evidence is currently insufficient to determine the role of this variant in disease. Therefore, it has been classified as a Variant of Uncertain Significance. Experimental studies and prediction algorithms are not available or were not evaluated, and the functional significance of this variant is currently unknown. This variant has not been reported in the literature in individuals affected with STAT3-related conditions. This variant results in a copy number gain of the genomic region encompassing exon(s) 5-24 of the STAT3 gene. This region includes the termination codon of the gene. This copy number gain extends beyond the assayed region for this gene and therefore may encompass additional genes. As the precise location of this event is unknown, it may be in tandem or it may be located elsewhere in the genome.